The following is an entry in ClinVar:

NM_000465.4(BARD1):c.587A>T (p.Lys196Ile)

Gene: BARD1 (BRCA1 associated RING domain 1; minus strand). Cytogenetic location: 2q35.
Variant type: single nucleotide variant.
Coding change: c.587A>T on transcript NM_000465.4 (MANE Select); coding-DNA position 587, A replaced by T.
Protein change: p.Lys196Ile; replaces lysine 196 with isoleucine.
Molecular consequence: missense variant. On other transcripts: non-coding transcript variant (2), intron variant (3).
Genome position (GRCh38, 1-based): chr2:214,781,287, T>A on the plus strand (A>T on the coding strand, the complement: BARD1 is on the minus strand). VCF-style: chr2-214781287-T-A. GRCh37 (hg19) VCF-style: chr2-215646011-T-A.
Other names: c.530A>T, p.Lys177Ile (NM_001282543.2); c.158+28125A>T (NM_001282548.2); c.215+15774A>T (NM_001282545.2); c.364+11010A>T (NM_001282549.2); short protein forms K177I, K196I.
Identifiers: ClinVar variation 2813431 (VCV002813431.3), dbSNP rs587781520, ClinGen allele CA350456811.

ClinVar aggregate classification (germline): Uncertain significance (1 of 4 stars; one submission).

Conditions:
Familial cancer of breast. Also called: BREAST CANCER, FAMILIAL; hereditary breast carcinoma; Hereditary breast cancer. Identifiers: Orphanet 227535, MedGen C0346153, MONDO:0016419, OMIM 114480. Disease mechanism: loss of function.

Submission:

Labcorp Genetics (formerly Invitae), Labcorp
Classification: Uncertain significance for Familial cancer of breast. Last evaluated: 2022-11-10. Review status: criteria provided, single submitter. Criteria: Invitae Variant Classification Sherloc (09022015). Collection method: clinical testing. Allele origin: germline.
Comment: This sequence change replaces lysine, which is basic and polar, with isoleucine, which is neutral and non-polar, at codon 196 of the BARD1 protein (p.Lys196Ile). This variant is not present in population databases (gnomAD no frequency). This variant has not been reported in the literature in individuals affected with BARD1-related conditions. Algorithms developed to predict the effect of missense changes on protein structure and function (SIFT, PolyPhen-2, Align-GVGD) all suggest that this variant is likely to be tolerated. In summary, the available evidence is currently insufficient to determine the role of this variant in disease. Therefore, it has been classified as a Variant of Uncertain Significance.